The following is an entry in ClinVar:

ClinVar aggregate classification (germline): Likely benign. Review status: criteria provided, multiple submitters, no conflicts (2 of 4 stars). 4 submissions from 4 submitters: Likely benign (4). Last evaluated 2025-02-11.

Conditions:
Autosomal recessive nonsyndromic hearing loss 29. Identifiers: Orphanet 90636, MedGen C3279660, MONDO:0013537, OMIM 614035.

Allele frequency attached by ClinVar (database versions not stated): TOPMed 0.00006; gnomAD 0.00008.
gnomAD v4.1: 45 of 1,613,430 alleles (0.0028%); highest among the groups gnomAD compares: Non-Finnish European, 0.0034%; no homozygotes.

Submissions (4):

Labcorp Genetics (formerly Invitae), Labcorp
Classification: Likely benign. Last evaluated: 2025-02-11. Review status: criteria provided, single submitter. Criteria: Invitae Variant Classification Sherloc (09022015). Collection method: clinical testing. Allele origin: germline.

Blueprint Genetics
Classification: Likely benign. Last evaluated: 2024-11-22. Review status: criteria provided, single submitter. Criteria: ACMG Guidelines, 2015. Collection method: clinical testing. Allele origin: germline.

Illumina Laboratory Services, Illumina
Classification: Likely benign for Autosomal recessive nonsyndromic hearing loss 29. Last evaluated: 2017-04-27. Review status: criteria provided, single submitter. Criteria: ICSL Variant Classification Criteria 13 December 2019. Collection method: clinical testing. Allele origin: germline.
Comment: This variant was observed as part of a predisposition screen in an ostensibly healthy population. A literature search was performed for the gene, cDNA change, and amino acid change (where applicable). Publications were found based on this search. The evidence from the literature, in combination with allele frequency data from public databases where available, was sufficient to determine this variant is unlikely to cause disease. Therefore, this variant is classified as likely benign.

Laboratory for Molecular Medicine, Mass General Brigham Personalized Medicine
Classification: Likely benign. Last evaluated: 2012-04-30. Review status: criteria provided, single submitter. Criteria: LMM Criteria. Collection method: clinical testing. Allele origin: germline. Observed: 2 variant alleles.
Comment: p.Thr123Thr in exon 3 of CLDN14: This variant is not expected to have clinical s ignificance because it does not alter an amino acid residue and is not located w ithin the splice consensus sequence. It has been identified in 3/65730 of Europe an chromosomes by the Exome Aggregation Consortium (ExAC; dbSNP rs727502938).

Literature cited by the submitters: PubMed 15880785 (cited by Illumina Laboratory Services, Illumina).

NM_001146079.2(CLDN14):c.369C>A (p.Thr123=)

Genes: CLDN14 (claudin 14; minus strand), CLDN14-AS1 (CLDN14 antisense RNA 1; plus strand). Cytogenetic location: 21q22.13.
Variant type: single nucleotide variant.
Coding change: c.369C>A on transcript NM_001146079.2 (MANE Select); coding-DNA position 369, C replaced by A.
Protein change: p.Thr123=; no amino-acid change (threonine 123 retained).
Molecular consequence: synonymous variant.
Genome position (GRCh38, 1-based): chr21:36,461,327, G>T on the plus strand (C>A on the coding strand, the complement: CLDN14 is on the minus strand). VCF-style: chr21-36461327-G-T. GRCh37 (hg19) VCF-style: chr21-37833625-G-T.
Other names: c.369C>A, p.Thr123= (NM_001146077.2, NM_001146078.3, NM_012130.4 and 1 more transcripts).
Identifiers: ClinVar variation 162967 (VCV000162967.12), dbSNP rs727502938, ClinGen allele CA175550.